The following is an entry in ClinVar:

NM_198503.5(KCNT2):c.1067G>A (p.Arg356Gln)

Gene: KCNT2 (potassium sodium-activated channel subfamily T member 2; minus strand). Cytogenetic location: 1q31.3.
Variant type: single nucleotide variant.
Coding change: c.1067G>A on transcript NM_198503.5 (MANE Select); coding-DNA position 1067, G replaced by A.
Protein change: p.Arg356Gln; replaces arginine 356 with glutamine.
Molecular consequence: missense variant. On other transcripts: non-coding transcript variant (2).
Genome position (GRCh38, 1-based): chr1:196,425,906, C>T on the plus strand (G>A on the coding strand, the complement: KCNT2 is on the minus strand). VCF-style: chr1-196425906-C-T. GRCh37 (hg19) VCF-style: chr1-196395036-C-T.
Other names: c.1067G>A, p.Arg356Gln (NM_001287819.3, NM_001287820.3); short protein forms R356Q.
Identifiers: ClinVar variation 1703062 (VCV001703062.3), dbSNP rs2528127877, ClinGen allele CA344079981.

ClinVar aggregate classification (germline): Uncertain significance (1 of 4 stars; one submission).

Submission:

Greenwood Genetic Center Diagnostic Laboratories, Greenwood Genetic Center
Classification: Uncertain significance. Last evaluated: 2022-05-20. Review status: criteria provided, single submitter. Criteria: ACMG Guidelines, 2015. Collection method: clinical testing. Allele origin: germline. Affected: yes.
Comment: PM2 PP2